The following is an entry in ClinVar:

ClinVar aggregate classification (germline): Uncertain significance (1 of 4 stars; one submission).

Submission:

GeneDx
Classification: Uncertain significance. Last evaluated: 2024-03-27. Review status: criteria provided, single submitter. Criteria: GeneDx Variant Classification Process June 2021. Collection method: clinical testing. Allele origin: germline. Affected: yes.
Comment: Not observed at significant frequency in large population cohorts (gnomAD); In silico analysis supports a deleterious effect on protein structure/function; Has not been previously published as pathogenic or benign to our knowledge; This variant is associated with the following publications: (PMID: 24658002)

NM_003072.5(SMARCA4):c.4477_4478delinsCT (p.Glu1493Leu)

Gene: SMARCA4 (SWI/SNF related BAF chromatin remodeling complex subunit ATPase 4; plus strand). Cytogenetic location: 19p13.2.
Variant type: Indel.
Coding change: c.4477_4478delinsCT on transcript NM_003072.5 (MANE Select); coding-DNA positions 4477 to 4478, GA replaced by CT.
Protein change: p.Glu1493Leu; replaces glutamic acid 1493 with leucine.
Molecular consequence: missense variant. On other transcripts: non-coding transcript variant (1).
Genome position (GRCh38, 1-based): chr19:11,058,307-11,058,308, GA replaced by CT. VCF-style: chr19-11058307-GA-CT. GRCh37 (hg19) VCF-style: chr19-11168983-GA-CT.
Other names: c.4477_4478delinsCT, p.Glu1493Leu (NM_001128844.3); c.4387_4388delinsCT, p.Glu1463Leu (NM_001128845.2); c.4384_4385delinsCT, p.Glu1462Leu (NM_001128846.2); c.4378_4379delinsCT, p.Glu1460Leu (NM_001128847.4, NM_001374457.1); c.4375_4376delinsCT, p.Glu1459Leu (NM_001128848.2); c.4573_4574delinsCT, p.Glu1525Leu (NM_001128849.3, NM_001387283.1); c.4474_4475delinsCT, p.Glu1492Leu (NM_001411150.1); short protein forms E1459L, E1460L, E1462L, E1463L, E1492L, E1493L, E1525L.
Identifiers: ClinVar variation 3371719 (VCV003371719.1).